The following is an entry in ClinVar:

ClinVar aggregate classification (germline): Conflicting classifications of pathogenicity. Review status: criteria provided, conflicting classifications (1 of 4 stars). 10 submissions from 10 submitters: Uncertain significance (7); Likely benign (2). 1 of the submissions does not count toward it. Last evaluated 2026-03-03.

Conditions:
RPGRIP1L-related disorder. Also called: RPGRIP1L-related condition; RPGRIP1L-related disorders. Identifiers: MedGen CN239416.
COACH syndrome 3. Identifiers: MedGen C5436841, MONDO:0030862, OMIM 619113.
Meckel syndrome, type 5 (MKS5). Identifiers: Orphanet 564, MedGen C1969052, MONDO:0012695, OMIM 611561.
Joubert syndrome 7 (JBTS7). Identifiers: Orphanet 220497, MedGen C1969053, MONDO:0012694, OMIM 611560.
Inborn genetic diseases. Identifiers: MedGen C0950123, MeSH D030342.
Meckel-Gruber syndrome. Also called: DYSENCEPHALIA SPLANCHNOCYSTICA; GRUBER SYNDROME; Dysencephalia splachnocystica. Identifiers: Orphanet 564, MedGen C0265215, MONDO:0018921.
Joubert syndrome. Also called: JOUBERT-BOLTSHAUSER SYNDROME; Familial aplasia of the vermis. Identifiers: Orphanet 475, MedGen C5979921, MONDO:0018772.

Allele frequency attached by ClinVar (database versions not stated): ExAC 0.00002; gnomAD exomes 0.00002 and 0.00004; gnomAD 0.00003 and 0.00004; TOPMed 0.00003.
gnomAD v4.1: 59 of 1,614,112 alleles (0.0037%); highest among the groups gnomAD compares: Middle Eastern, 0.2%; no homozygotes.

Submissions (10):

PreventionGenetics, part of Exact Sciences
Classification: Uncertain significance for RPGRIP1L-related condition. Last evaluated: 2026-03-03. Review status: criteria provided, single submitter. Criteria: ACMG Guidelines, 2015. Collection method: clinical testing. Allele origin: germline.
Comment: The RPGRIP1L c.341A>G variant is predicted to result in the amino acid substitution p.Gln114Arg. To our knowledge, this variant has not been reported in the literature. This variant is reported in 0.0033% of alleles in individuals of South Asian descent in gnomAD. At this time, the clinical significance of this variant is uncertain due to the absence of conclusive functional and genetic evidence.

Blueprint Genetics
Classification: Likely benign. Last evaluated: 2024-10-29. Review status: criteria provided, single submitter. Criteria: ACMG Guidelines, 2015. Collection method: clinical testing. Allele origin: germline.

Labcorp Genetics (formerly Invitae), Labcorp
Classification: Uncertain significance for Joubert syndrome; Meckel-Gruber syndrome. Last evaluated: 2024-10-25. Review status: criteria provided, single submitter. Criteria: Invitae Variant Classification Sherloc (09022015). Collection method: clinical testing. Allele origin: germline.
Comment: This sequence change replaces glutamine, which is neutral and polar, with arginine, which is basic and polar, at codon 114 of the RPGRIP1L protein (p.Gln114Arg). This variant is present in population databases (rs201413825, gnomAD 0.003%). This variant has not been reported in the literature in individuals affected with RPGRIP1L-related conditions. ClinVar contains an entry for this variant (Variation ID: 501227). Invitae Evidence Modeling of protein sequence and biophysical properties (such as structural, functional, and spatial information, amino acid conservation, physicochemical variation, residue mobility, and thermodynamic stability) indicates that this missense variant is not expected to disrupt RPGRIP1L protein function with a negative predictive value of 80%. In summary, the available evidence is currently insufficient to determine the role of this variant in disease. Therefore, it has been classified as a Variant of Uncertain Significance.

Ambry Genetics
Classification: Likely benign for Inborn genetic diseases. Last evaluated: 2023-03-27. Review status: criteria provided, single submitter. Criteria: Ambry Variant Classification Scheme 2023. Collection method: clinical testing. Allele origin: germline.

Revvity Omics, Revvity
Classification: Uncertain significance. Last evaluated: 2022-03-28. Review status: criteria provided, single submitter. Criteria: ACMG Guidelines, 2015. Collection method: clinical testing. Allele origin: germline.

Fulgent Genetics
Classification: Uncertain significance for Joubert syndrome 7; Meckel syndrome, type 5; COACH syndrome 3. Last evaluated: 2021-11-27. Review status: criteria provided, single submitter. Criteria: ACMG Guidelines, 2015. Collection method: clinical testing. Allele origin: unknown.

Baylor Genetics
Classification: Uncertain significance for Meckel syndrome, type 5. Last evaluated: 2019-11-26. Review status: criteria provided, single submitter. Criteria: ACMG Guidelines, 2015. Collection method: clinical testing. Allele origin: unknown. Affected: yes.
Comment: This variant was determined to be of uncertain significance according to ACMG Guidelines, 2015 [PMID:25741868].

Eurofins Ntd Llc (ga)
Classification: Uncertain significance. Last evaluated: 2017-04-18. Review status: criteria provided, single submitter. Criteria: EGL Classification Definitions 2015. Collection method: clinical testing. Allele origin: germline. Observed: 1 variant allele, 1 heterozygote.

Breakthrough Genomics
Classification: Uncertain significance. Review status: criteria provided, single submitter. Criteria: ACMG Guidelines, 2015. Collection method: not provided. Allele origin: germline. Inheritance: Autosomal recessive inheritance. Affected: yes.

Natera, Inc.
Classification: Uncertain significance for Joubert syndrome. Last evaluated: 2020-05-19. Review status: no assertion criteria provided. Collection method: clinical testing. Allele origin: germline. Not counted in ClinVar's aggregate classification.

NM_015272.5(RPGRIP1L):c.341A>G (p.Gln114Arg)

Gene: RPGRIP1L (RPGRIP1 like; minus strand). Cytogenetic location: 16q12.2.
Variant type: single nucleotide variant.
Coding change: c.341A>G on transcript NM_015272.5 (MANE Select); coding-DNA position 341, A replaced by G.
Protein change: p.Gln114Arg; replaces glutamine 114 with arginine.
Molecular consequence: missense variant.
Genome position (GRCh38, 1-based): chr16:53,692,254, T>C on the plus strand (A>G on the coding strand, the complement: RPGRIP1L is on the minus strand). VCF-style: chr16-53692254-T-C. GRCh37 (hg19) VCF-style: chr16-53726166-T-C.
Other names: c.341A>G (NM_015272.4); c.341A>G, p.Gln114Arg (NM_001127897.4, NM_001308334.3, NM_001330538.2); short protein forms Q114R.
Identifiers: ClinVar variation 501227 (VCV000501227.19), dbSNP rs201413825, ClinGen allele CA8058130.
Genomic context (GRCh38, chr16:53,692,254, plus strand): 5'-ATCAGTCTGTTTTTGAGGGTTTCATTTTGTTTTTCAAGCTCATGAACTTTCTCTTGCAGC[T>C]GCTCAATCATTTCTTCCATTTCCACATCTCGTCCCAGCCGCTTGGGGCCGCCACCAACCC-3'
Protein context (NP_056087.2, residues 104-124): RDVEMEEMIE[Gln114Arg]LQEKVHELEK